The following is an entry in ClinVar:

NM_144499.3(GNAT1):c.742A>G (p.Ser248Gly)

Gene: GNAT1 (G protein subunit alpha transducin 1; plus strand). Cytogenetic location: 3p21.31.
Variant type: single nucleotide variant.
Coding change: c.742A>G on transcript NM_144499.3 (MANE Select); coding-DNA position 742, A replaced by G.
Protein change: p.Ser248Gly; replaces serine 248 with glycine.
Molecular consequence: missense variant.
Genome position (GRCh38, 1-based): chr3:50,194,534, A>G. VCF-style: chr3-50194534-A-G. GRCh37 (hg19) VCF-style: chr3-50231967-A-G.
Other names: c.742A>G, p.Ser248Gly (NM_000172.4); short protein forms S248G.
Identifiers: ClinVar variation 2762985 (VCV002762985.3), dbSNP rs2546147067, ClinGen allele CA352917748.

ClinVar aggregate classification (germline): Uncertain significance (1 of 4 stars; one submission).

Allele frequency attached by ClinVar (database versions not stated): gnomAD exomes below 0.00001.
gnomAD v4.1: 2 of 1,613,620 alleles (0.00012%); highest among the groups gnomAD compares: South Asian, 0.0022%; no homozygotes.

Submission:

Labcorp Genetics (formerly Invitae), Labcorp
Classification: Uncertain significance. Last evaluated: 2023-09-23. Review status: criteria provided, single submitter. Criteria: Invitae Variant Classification Sherloc (09022015). Collection method: clinical testing. Allele origin: germline.
Comment: This sequence change replaces serine, which is neutral and polar, with glycine, which is neutral and non-polar, at codon 248 of the GNAT1 protein (p.Ser248Gly). This variant is not present in population databases (gnomAD no frequency). This variant has not been reported in the literature in individuals affected with GNAT1-related conditions. Advanced modeling of protein sequence and biophysical properties (such as structural, functional, and spatial information, amino acid conservation, physicochemical variation, residue mobility, and thermodynamic stability) has been performed at Invitae for this missense variant, however the output from this modeling did not meet the statistical confidence thresholds required to predict the impact of this variant on GNAT1 protein function. Algorithms developed to predict the effect of sequence changes on RNA splicing suggest that this variant may disrupt the consensus splice site. In summary, the available evidence is currently insufficient to determine the role of this variant in disease. Therefore, it has been classified as a Variant of Uncertain Significance.